The following is an entry in ClinVar:

NM_001128228.3(TPRN):c.1958G>T (p.Gly653Val)

Gene: TPRN (taperin; minus strand). Cytogenetic location: 9q34.3.
Variant type: single nucleotide variant.
Coding change: c.1958G>T on transcript NM_001128228.3 (MANE Select); coding-DNA position 1958, G replaced by T.
Protein change: p.Gly653Val; replaces glycine 653 with valine.
Molecular consequence: missense variant.
Genome position (GRCh38, 1-based): chr9:137,192,459, C>A on the plus strand (G>T on the coding strand, the complement: TPRN is on the minus strand). VCF-style: chr9-137192459-C-A. GRCh37 (hg19) VCF-style: chr9-140086911-C-A.
Other names: short protein forms G653V.
Identifiers: ClinVar variation 2132851 (VCV002132851.4), dbSNP rs752884640, ClinGen allele CA5362581.

ClinVar aggregate classification (germline): Uncertain significance (1 of 4 stars; one submission).

Allele frequency attached by ClinVar (database versions not stated): ExAC 0.00002.
gnomAD v4.1: 10 of 1,607,046 alleles (0.00062%); highest among the groups gnomAD compares: Non-Finnish European, 0.00085%; no homozygotes.

Submission:

Labcorp Genetics (formerly Invitae), Labcorp
Classification: Uncertain significance. Last evaluated: 2023-07-07. Review status: criteria provided, single submitter. Criteria: Invitae Variant Classification Sherloc (09022015). Collection method: clinical testing. Allele origin: germline.
Comment: ClinVar contains an entry for this variant (Variation ID: 2132851). This sequence change replaces glycine, which is neutral and non-polar, with valine, which is neutral and non-polar, at codon 653 of the TPRN protein (p.Gly653Val). This variant is present in population databases (rs752884640, gnomAD 0.006%). This variant has not been reported in the literature in individuals affected with TPRN-related conditions. Advanced modeling of protein sequence and biophysical properties (such as structural, functional, and spatial information, amino acid conservation, physicochemical variation, residue mobility, and thermodynamic stability) performed at Invitae indicates that this missense variant is not expected to disrupt TPRN protein function. Algorithms developed to predict the effect of sequence changes on RNA splicing suggest that this variant may create or strengthen a splice site. In summary, the available evidence is currently insufficient to determine the role of this variant in disease. Therefore, it has been classified as a Variant of Uncertain Significance.